The following is an entry in ClinVar:

NM_000059.4(BRCA2):c.7120A>G (p.Asn2374Asp)

Gene: BRCA2 (BRCA2 DNA repair associated; plus strand). Cytogenetic location: 13q13.1.
Variant type: single nucleotide variant.
Coding change: c.7120A>G on transcript NM_000059.4 (MANE Select); coding-DNA position 7120, A replaced by G.
Protein change: p.Asn2374Asp; replaces asparagine 2374 with aspartic acid.
Molecular consequence: missense variant. On other transcripts: non-coding transcript variant (1).
Genome position (GRCh38, 1-based): chr13:32,354,973, A>G. VCF-style: chr13-32354973-A-G. GRCh37 (hg19) VCF-style: chr13-32929110-A-G.
Other names: c.7024A>G, p.Asn2342Asp (NM_001406719.1); c.7120A>G, p.Asn2374Asp (NM_001406720.1, NM_001432077.1); c.2188A>G, p.Asn730Asp (NM_001406721.1); c.703A>G, p.Asn235Asp (NM_001406722.1); short protein forms N2342D, N2374D, N730D, N235D.
Identifiers: ClinVar variation 4842984 (VCV004842984.1).
Genomic context (GRCh38, chr13:32,354,973, plus strand): 5'-CAAGAATTTCTGTCTAAATCTCATTTGTATGAACATCTGACTTTGGAAAAATCTTCAAGC[A>G]ATTTAGCAGTTTCAGGACATCCATTTTATCAAGTTTCTGCTACAAGAAATGAAAAAATGA-3'
Protein context (NP_000050.3, residues 2364-2384): EHLTLEKSSS[Asn2374Asp]LAVSGHPFYQ

ClinVar aggregate classification (germline): Uncertain significance (1 of 4 stars; one submission).

Conditions:
Hereditary cancer-predisposing syndrome. Also called: Neoplastic Syndromes, Hereditary; Tumor predisposition; Hereditary Cancer Syndrome; Hereditary neoplastic syndrome. Identifiers: Orphanet 140162, MedGen C0027672, MeSH D009386, MONDO:0015356.

Submission:

Ambry Genetics
Classification: Uncertain significance for Hereditary cancer-predisposing syndrome. Last evaluated: 2026-01-23. Review status: criteria provided, single submitter. Criteria: Ambry Variant Classification Scheme 2023. Collection method: clinical testing. Allele origin: germline.
Comment: The p.N2374D variant (also known as c.7120A>G), located in coding exon 13 of the BRCA2 gene, results from an A to G substitution at nucleotide position 7120. The asparagine at codon 2374 is replaced by aspartic acid, an amino acid with highly similar properties. This amino acid position is not well conserved in available vertebrate species. In addition, this alteration is predicted to be tolerated by in silico analysis. Based on the available evidence, the clinical significance of this variant remains unclear.